The following is an entry in ClinVar:

ClinVar aggregate classification (germline): Uncertain significance (1 of 4 stars; one submission).

Conditions:
Candidiasis, familial, 9 (CANDF9). Identifiers: Orphanet 1334, MedGen C4225324, MONDO:0014642, OMIM 616445.

Submission:

Labcorp Genetics (formerly Invitae), Labcorp
Classification: Uncertain significance for Candidiasis, familial, 9. Last evaluated: 2021-08-25. Review status: criteria provided, single submitter. Criteria: Invitae Variant Classification Sherloc (09022015). Collection method: clinical testing. Allele origin: germline.
Comment: This sequence change replaces arginine with histidine at codon 741 of the IL17RC protein (p.Arg741His). The arginine residue is weakly conserved and there is a small physicochemical difference between arginine and histidine. In summary, the available evidence is currently insufficient to determine the role of this variant in disease. Therefore, it has been classified as a Variant of Uncertain Significance. Algorithms developed to predict the effect of missense changes on protein structure and function (SIFT, PolyPhen-2, Align-GVGD) all suggest that this variant is likely to be tolerated. This variant has not been reported in the literature in individuals affected with IL17RC-related conditions. This variant is not present in population databases (ExAC no frequency).

NM_153460.4(IL17RC):c.2009G>A (p.Arg670His)

Gene: IL17RC (interleukin 17 receptor C; plus strand). Cytogenetic location: 3p25.3.
Variant type: single nucleotide variant.
Coding change: c.2009G>A on transcript NM_153460.4 (MANE Select); coding-DNA position 2009, G replaced by A.
Protein change: p.Arg670His; replaces arginine 670 with histidine.
Molecular consequence: missense variant. On other transcripts: non-coding transcript variant (1).
Genome position (GRCh38, 1-based): chr3:9,933,439, G>A. VCF-style: chr3-9933439-G-A. GRCh37 (hg19) VCF-style: chr3-9975123-G-A.
Other names: c.1970G>A, p.Arg657His (NM_001203263.2); c.1919G>A, p.Arg640His (NM_001203264.2); c.1913G>A, p.Arg638His (NM_001203265.2); c.1931G>A, p.Arg644His (NM_001367278.1); c.1850G>A, p.Arg617His (NM_001367279.1); c.1925G>A, p.Arg642His (NM_001367280.1); c.1964G>A, p.Arg655His (NM_032732.6); c.2222G>A, p.Arg741His (NM_153461.4); short protein forms R617H, R640H, R642H, R657H, R644H, R655H, R638H, R670H.
Identifiers: ClinVar variation 1504365 (VCV001504365.6), dbSNP rs2125321533, ClinGen allele CA351709214.